The following is an entry in ClinVar:

NM_022765.4(MICAL1):c.1438C>T (p.Arg480Ter)

Gene: MICAL1 (microtubule associated monooxygenase, calponin and LIM domain containing 1; minus strand). Cytogenetic location: 6q21.
Variant type: single nucleotide variant.
Coding change: c.1438C>T on transcript NM_022765.4 (MANE Select); coding-DNA position 1438, C replaced by T.
Protein change: p.Arg480Ter; replaces arginine 480 with a stop codon.
Molecular consequence: nonsense.
Genome position (GRCh38, 1-based): chr6:109,449,478, G>A on the plus strand (C>T on the coding strand, the complement: MICAL1 is on the minus strand). VCF-style: chr6-109449478-G-A. GRCh37 (hg19) VCF-style: chr6-109770681-G-A.
Other names: c.1180C>T, p.Arg394Ter (NM_001159291.2); c.1495C>T, p.Arg499Ter (NM_001286613.2); short protein forms R394*, R480*, R499*.
Identifiers: ClinVar variation 1941367 (VCV001941367.4), dbSNP rs762204959, ClinGen allele CA365229839.

ClinVar aggregate classification (germline): Uncertain significance (1 of 4 stars; one submission).

Allele frequency attached by ClinVar (database versions not stated): TOPMed 0.00001; gnomAD 0.00004.
gnomAD v4.1: 14 of 1,614,072 alleles (0.00087%); highest among the groups gnomAD compares: African/African-American, 0.012%; no homozygotes.

Submission:

Labcorp Genetics (formerly Invitae), Labcorp
Classification: Uncertain significance. Last evaluated: 2024-09-15. Review status: criteria provided, single submitter. Criteria: Invitae Variant Classification Sherloc (09022015). Collection method: clinical testing. Allele origin: germline.
Comment: This sequence change creates a premature translational stop signal (p.Arg499*) in the MICAL1 gene. It is expected to result in an absent or disrupted protein product. However, the current clinical and genetic evidence is not sufficient to establish whether loss-of-function variants in MICAL1 cause disease. This variant is present in population databases (no rsID available, gnomAD 0.008%). This variant has not been reported in the literature in individuals affected with MICAL1-related conditions. ClinVar contains an entry for this variant (Variation ID: 1941367). Algorithms developed to predict the effect of sequence changes on RNA splicing suggest that this variant may disrupt the consensus splice site. In summary, the available evidence is currently insufficient to determine the role of this variant in disease. Therefore, it has been classified as a Variant of Uncertain Significance.